The following is an entry in ClinVar:

ClinVar aggregate classification (germline): Uncertain significance. Review status: criteria provided, multiple submitters, no conflicts (2 of 4 stars). 2 submissions from 2 submitters: Uncertain significance (2). Last evaluated 2023-11-13.

Conditions:
Acrocallosal syndrome (ACLS). Also called: HALLUX DUPLICATION, POSTAXIAL POLYDACTYLY, AND ABSENCE OF CORPUS CALLOSUM; Schinzel syndrome 1; Absence of corpus callosum with unusual facial appearance, mental deficiency, duplication of the halluces and polydactyly. Identifiers: Orphanet 36, MedGen C0796147, MONDO:0008708, OMIM 200990.

gnomAD v4.1: 1 of 1,598,444 alleles (0.000063%); highest among the groups gnomAD compares: Admixed American, 0.0017%; no homozygotes.

Submissions (2):

Labcorp Genetics (formerly Invitae), Labcorp
Classification: Uncertain significance for Acrocallosal syndrome. Last evaluated: 2023-11-13. Review status: criteria provided, single submitter. Criteria: Invitae Variant Classification Sherloc (09022015). Collection method: clinical testing. Allele origin: germline.
Comment: This sequence change replaces glutamic acid, which is acidic and polar, with lysine, which is basic and polar, at codon 920 of the KIF7 protein (p.Glu920Lys). This variant is present in population databases (rs746577567, gnomAD 0.003%). This variant has not been reported in the literature in individuals affected with KIF7-related conditions. ClinVar contains an entry for this variant (Variation ID: 1931912). Advanced modeling of protein sequence and biophysical properties (such as structural, functional, and spatial information, amino acid conservation, physicochemical variation, residue mobility, and thermodynamic stability) performed at Invitae indicates that this missense variant is not expected to disrupt KIF7 protein function with a negative predictive value of 80%. In summary, the available evidence is currently insufficient to determine the role of this variant in disease. Therefore, it has been classified as a Variant of Uncertain Significance.

Blueprint Genetics
Classification: Uncertain significance. Last evaluated: 2019-12-10. Review status: criteria provided, single submitter. Criteria: ACMG Guidelines, 2015. Collection method: clinical testing. Allele origin: germline.

NM_198525.3(KIF7):c.2758G>A (p.Glu920Lys)

Gene: KIF7 (kinesin family member 7; minus strand). Cytogenetic location: 15q26.1.
Variant type: single nucleotide variant.
Coding change: c.2758G>A on transcript NM_198525.3 (MANE Select); coding-DNA position 2758, G replaced by A.
Protein change: p.Glu920Lys; replaces glutamic acid 920 with lysine.
Molecular consequence: missense variant.
Genome position (GRCh38, 1-based): chr15:89,632,957, C>T on the plus strand (G>A on the coding strand, the complement: KIF7 is on the minus strand). VCF-style: chr15-89632957-C-T. GRCh37 (hg19) VCF-style: chr15-90176188-C-T.
Other names: short protein forms E920K.
Identifiers: ClinVar variation 1931912 (VCV001931912.6), dbSNP rs746577567, ClinGen allele CA7727956.
Genomic context (GRCh38, chr15:89,632,957, plus strand): 5'-CCCGCTTGTGGAGCTCCTCCCCCAGCTCCTCCAGCGCCCGCCGCTGCTGTAGCACCTTCT[C>T]CATCTCCTGGTCCAGCCACTTCTTCTGCTCCTCAATCTTCTAAGGAAAAGTAGGGAGGGA-3'
Protein context (NP_940927.2, residues 910-930): EQKKWLDQEM[Glu920Lys]KVLQQRRALE